The following is an entry in ClinVar:

ClinVar aggregate classification (germline): Likely benign. Review status: criteria provided, multiple submitters, no conflicts (2 of 4 stars). 2 submissions from 2 submitters: Likely benign (2). Last evaluated 2025-10-01.

Conditions:
Acrocallosal syndrome (ACLS). Also called: HALLUX DUPLICATION, POSTAXIAL POLYDACTYLY, AND ABSENCE OF CORPUS CALLOSUM; Schinzel syndrome 1; Absence of corpus callosum with unusual facial appearance, mental deficiency, duplication of the halluces and polydactyly. Identifiers: Orphanet 36, MedGen C0796147, MONDO:0008708, OMIM 200990.

Allele frequency attached by ClinVar (database versions not stated): gnomAD exomes 0.00001; TOPMed 0.00004; gnomAD 0.00005 and 0.00006.
gnomAD v4.1: 21 of 1,546,402 alleles (0.0014%); highest among the groups gnomAD compares: Middle Eastern, 0.067%; no homozygotes.

Submissions (2):

CeGaT Center for Human Genetics Tuebingen
Classification: Likely benign. Last evaluated: 2025-10-01. Review status: criteria provided, single submitter. Criteria: CeGaT Center For Human Genetics Tuebingen Variant Classification Criteria Version 2. Collection method: clinical testing. Allele origin: germline. Affected: yes. Observed: 1 variant allele.
Comment: KIF7: BP4, BP7

Labcorp Genetics (formerly Invitae), Labcorp
Classification: Likely benign for Acrocallosal syndrome. Last evaluated: 2024-08-28. Review status: criteria provided, single submitter. Criteria: Invitae Variant Classification Sherloc (09022015). Collection method: clinical testing. Allele origin: germline.

NM_198525.3(KIF7):c.288G>A (p.Thr96=)

Gene: KIF7 (kinesin family member 7; minus strand). Cytogenetic location: 15q26.1.
Variant type: single nucleotide variant.
Coding change: c.288G>A on transcript NM_198525.3 (MANE Select); coding-DNA position 288, G replaced by A.
Protein change: p.Thr96=; no amino-acid change (threonine 96 retained).
Molecular consequence: synonymous variant.
Genome position (GRCh38, 1-based): chr15:89,652,643, C>T on the plus strand (G>A on the coding strand, the complement: KIF7 is on the minus strand). VCF-style: chr15-89652643-C-T. GRCh37 (hg19) VCF-style: chr15-90195874-C-T.
Identifiers: ClinVar variation 1520134 (VCV001520134.12), dbSNP rs777317164, ClinGen allele CA7728666.